The following is an entry in ClinVar:

ClinVar aggregate classification (germline): Uncertain significance (1 of 4 stars; one submission).

Conditions:
Gorlin syndrome. Also called: Nevoid Basal Cell Carcinoma Syndrome; Basal cell nevus syndrome. Identifiers: Orphanet 377, MedGen C0004779, MONDO:0007187.

Submission:

Labcorp Genetics (formerly Invitae), Labcorp
Classification: Uncertain significance for Gorlin syndrome. Last evaluated: 2025-01-18. Review status: criteria provided, single submitter. Criteria: Invitae Variant Classification Sherloc (09022015). Collection method: clinical testing. Allele origin: germline.
Comment: This sequence change creates a premature translational stop signal (p.Gln753Asnfs*87) in the PTCH2 gene. It is expected to result in an absent or disrupted protein product. However, the current clinical and genetic evidence is not sufficient to establish whether loss-of-function variants in PTCH2 cause disease. This variant is not present in population databases (gnomAD no frequency). This variant has not been reported in the literature in individuals affected with PTCH2-related conditions. ClinVar contains an entry for this variant (Variation ID: 1016903). Algorithms developed to predict the effect of sequence changes on RNA splicing suggest that this variant may create or strengthen a splice site. In summary, the available evidence is currently insufficient to determine the role of this variant in disease. Therefore, it has been classified as a Variant of Uncertain Significance.

NM_003738.5(PTCH2):c.2257del (p.Gln753fs)

Gene: PTCH2 (patched 2; minus strand). Cytogenetic location: 1p34.1.
Variant type: Deletion.
Coding change: c.2257del on transcript NM_003738.5 (MANE Select); coding-DNA position 2257, one base deleted (C; older notation c.2257delC).
Protein change: p.Gln753fs; shifts the reading frame from glutamine 753.
Molecular consequence: frameshift variant.
Genome position (GRCh38, 1-based): chr1:44,827,516, G deleted on the plus strand (C on the coding strand, the reverse complement: PTCH2 is on the minus strand); the first of 3 consecutive G bases (chr1:44,827,516-44,827,518); deleting any one gives the same sequence. VCF-style (leftmost placement, unchanged base first): chr1-44827515-TG-T. GRCh37 (hg19) VCF-style: chr1-45293187-TG-T.
Other names: c.2257del, p.Gln753fs (NM_001166292.2); short protein forms Q753fs.
Identifiers: ClinVar variation 1016903 (VCV001016903.7), dbSNP rs1653215847, ClinGen allele CA2473510730.
Genomic context (GRCh38, chr1:44,827,515, plus strand): 5'-GGTGGGGGCAGCACCGCCTTGAGGGAACTGAAGCGCTGGTGCAGATCAAAGAGGGCGCGT[TG>T]GGAGTGGGCGTAGTCAAAGCCACCCTGGGTCACCAGGGCCACCTCGTACAGGGAGAAGTA-3'